The following is an entry in ClinVar:

ClinVar aggregate classification (germline): Uncertain significance. Review status: reviewed by expert panel (3 of 4 stars). 6 submissions from 6 submitters: Uncertain significance (1). 5 of the submissions do not count toward it. Last evaluated 2023-08-02.

Conditions:
Hereditary cancer-predisposing syndrome. Also called: Hereditary Cancer Syndrome; Neoplastic Syndromes, Hereditary; Tumor predisposition; Hereditary neoplastic syndrome. Identifiers: Orphanet 140162, MedGen C0027672, MeSH D009386, MONDO:0015356.
CDH1-related diffuse gastric and lobular breast cancer syndrome. Also called: CDH1-related diffuse gastric and lobular breast cancer. Identifiers: MedGen CN311521, MONDO:0100488.
Hereditary diffuse gastric adenocarcinoma (HDGC). Also called: DIFFUSE GASTRIC AND LOBULAR BREAST CANCER SYNDROME. Identifiers: Orphanet 26106, MedGen C1708349, MONDO:0007648, OMIM 137215.

gnomAD v4.1: 2 of 1,551,278 alleles (0.00013%); highest among the groups gnomAD compares: East Asian, 0.0049%; no homozygotes.

Submissions (6):

Clingen Gastric Cancer Variant Curation Expert Panel
Classification: Uncertain significance for CDH1-related diffuse gastric and lobular breast cancer syndrome. Last evaluated: 2023-08-02. Review status: reviewed by expert panel. Criteria: ClinGen CDH1 ACMG Specifications V3.1. Collection method: curation. Allele origin: germline. Inheritance: Autosomal dominant inheritance.
Comment: The c.76G>C (NM_004360.5) variant in CDH1 is a missense variant predicted to predicted to cause substitution of Glu by Gln at amino acid 26 (p.Glu26Gln) in exon 2. This allele is absent from populations in gnomAD V2.1.1 (PM2_Supporting). This variant has been observed in at least three individuals without DGC, SRC tumours and LBC and whose families do not suggest HDGC (BS2_Supporting). In summary, this variant is classified as uncertain significance for DGLBCS based on the ACMG/AMP criteria applied, as specified by the ClinGen CDH1 VCEP: PM2_Supporting, BS2_Supporting. (CDH1 VCEP specifications version 3.1; 04/24/2023)

Ambry Genetics
Classification: Likely benign for Hereditary cancer-predisposing syndrome. Last evaluated: 2024-08-20. Review status: criteria provided, single submitter. Criteria: Ambry Variant Classification Scheme 2023. Collection method: clinical testing. Allele origin: germline. Not counted in ClinVar's aggregate classification.

Myriad Genetics, Inc.
Classification: Uncertain significance for Hereditary diffuse gastric adenocarcinoma. Last evaluated: 2023-03-03. Review status: criteria provided, single submitter. Criteria: Myriad Autosomal Dominant, Autosomal Recessive and X-Linked Classification Criteria (2023). Collection method: clinical testing. Allele origin: unknown. Not counted in ClinVar's aggregate classification.
Comment: This variant is classified as a variant of uncertain significance as there is insufficient evidence to determine its impact on protein function and/or cancer risk.

Labcorp Genetics (formerly Invitae), Labcorp
Classification: Uncertain significance for Hereditary diffuse gastric adenocarcinoma. Last evaluated: 2022-12-29. Review status: criteria provided, single submitter. Criteria: Invitae Variant Classification Sherloc (09022015). Collection method: clinical testing. Allele origin: germline. Not counted in ClinVar's aggregate classification.
Comment: ClinVar contains an entry for this variant (Variation ID: 230669). In summary, the available evidence is currently insufficient to determine the role of this variant in disease. Therefore, it has been classified as a Variant of Uncertain Significance. Algorithms developed to predict the effect of missense changes on protein structure and function (SIFT, PolyPhen-2, Align-GVGD) all suggest that this variant is likely to be tolerated. This variant has not been reported in the literature in individuals affected with CDH1-related conditions. This variant is not present in population databases (gnomAD no frequency). This sequence change replaces glutamic acid, which is acidic and polar, with glutamine, which is neutral and polar, at codon 26 of the CDH1 protein (p.Glu26Gln).

Color Diagnostics, LLC DBA Color Health
Classification: Uncertain significance for Hereditary cancer-predisposing syndrome. Last evaluated: 2019-02-15. Review status: criteria provided, single submitter. Criteria: ACMG Guidelines, 2015. Collection method: clinical testing. Allele origin: germline. Not counted in ClinVar's aggregate classification.

Counsyl
Classification: Uncertain significance for Hereditary diffuse gastric adenocarcinoma. Last evaluated: 2016-10-31. Review status: no assertion criteria provided. Collection method: clinical testing. Allele origin: unknown. Not counted in ClinVar's aggregate classification.

NM_004360.5(CDH1):c.76G>C (p.Glu26Gln)

Gene: CDH1 (cadherin 1; plus strand). Cytogenetic location: 16q22.1.
Variant type: single nucleotide variant.
Coding change: c.76G>C on transcript NM_004360.5 (MANE Select); coding-DNA position 76, G replaced by C.
Protein change: p.Glu26Gln; replaces glutamic acid 26 with glutamine.
Molecular consequence: missense variant. On other transcripts: 5 prime UTR variant (2).
Genome position (GRCh38, 1-based): chr16:68,738,324, G>C. VCF-style: chr16-68738324-G-C. GRCh37 (hg19) VCF-style: chr16-68772227-G-C.
Other names: NM_004360.5(CDH1):c.76G>C; p.Glu26Gln; c.76G>C (LRG_301t1); c.76G>C, p.Glu26Gln (NM_001317184.2); c.-1540G>C (NM_001317185.2); c.-1744G>C (NM_001317186.2); short protein forms E26Q.
Identifiers: ClinVar variation 230669 (VCV000230669.19), dbSNP rs786201058, ClinGen allele CA10580068.